The following is an entry in ClinVar:

ClinVar aggregate classification (germline): Uncertain significance (1 of 4 stars; one submission).

Allele frequency attached by ClinVar (database versions not stated): gnomAD exomes below 0.00001; TOPMed below 0.00001.

Submission:

Labcorp Genetics (formerly Invitae), Labcorp
Classification: Uncertain significance. Last evaluated: 2022-08-09. Review status: criteria provided, single submitter. Criteria: Invitae Variant Classification Sherloc (09022015). Collection method: clinical testing. Allele origin: germline.
Comment: This sequence change replaces isoleucine, which is neutral and non-polar, with phenylalanine, which is neutral and non-polar, at codon 287 of the OPN1SW protein (p.Ile287Phe). In summary, the available evidence is currently insufficient to determine the role of this variant in disease. Therefore, it has been classified as a Variant of Uncertain Significance. Algorithms developed to predict the effect of missense changes on protein structure and function are either unavailable or do not agree on the potential impact of this missense change (SIFT: "Deleterious"; PolyPhen-2: "Probably Damaging"; Align-GVGD: "Class C15"). ClinVar contains an entry for this variant (Variation ID: 1521888). This variant has not been reported in the literature in individuals affected with OPN1SW-related conditions. This variant is present in population databases (rs753699287, gnomAD 0.007%).

NM_001385125.1(OPN1SW):c.850A>T (p.Ile284Phe)

Gene: OPN1SW (opsin 1, short wave sensitive; minus strand). Cytogenetic location: 7q32.1.
Variant type: single nucleotide variant.
Coding change: c.850A>T on transcript NM_001385125.1 (MANE Select); coding-DNA position 850, A replaced by T.
Protein change: p.Ile284Phe; replaces isoleucine 284 with phenylalanine.
Molecular consequence: missense variant.
Genome position (GRCh38, 1-based): chr7:128,773,717, T>A on the plus strand (A>T on the coding strand, the complement: OPN1SW is on the minus strand). VCF-style: chr7-128773717-T-A. GRCh37 (hg19) VCF-style: chr7-128413771-T-A.
Other names: short protein forms I284F.
Identifiers: ClinVar variation 1521888 (VCV001521888.8), dbSNP rs753699287, ClinGen allele CA4472812.